The following is an entry in ClinVar:

ClinVar aggregate classification (germline): Uncertain significance. Review status: criteria provided, multiple submitters, no conflicts (2 of 4 stars). 2 submissions from 2 submitters: Uncertain significance (2). Last evaluated 2024-11-11.

Conditions:
Inborn genetic diseases. Identifiers: MedGen C0950123, MeSH D030342.
Inflammatory bowel disease 28. Also called: Inflammatory bowel disease 28, early onset, autosomal recessive. Identifiers: Orphanet 238569, MedGen C2751053, MONDO:0013153, OMIM 613148.

Allele frequency attached by ClinVar (database versions not stated): gnomAD exomes 0.00005 and 0.00009; ExAC 0.00007; gnomAD 0.00008 and 0.00009; TOPMed 0.00008; ESP Exome Variant Server 0.00015.

Submissions (2):

Labcorp Genetics (formerly Invitae), Labcorp
Classification: Uncertain significance for Inflammatory bowel disease 28. Last evaluated: 2024-11-11. Review status: criteria provided, single submitter. Criteria: Invitae Variant Classification Sherloc (09022015). Collection method: clinical testing. Allele origin: germline.
Comment: This sequence change replaces arginine, which is basic and polar, with glutamine, which is neutral and polar, at codon 263 of the IL10RA protein (p.Arg263Gln). This variant is present in population databases (rs145975996, gnomAD 0.01%). This variant has not been reported in the literature in individuals affected with IL10RA-related conditions. ClinVar contains an entry for this variant (Variation ID: 966035). Invitae Evidence Modeling of protein sequence and biophysical properties (such as structural, functional, and spatial information, amino acid conservation, physicochemical variation, residue mobility, and thermodynamic stability) indicates that this missense variant is not expected to disrupt IL10RA protein function with a negative predictive value of 80%. In summary, the available evidence is currently insufficient to determine the role of this variant in disease. Therefore, it has been classified as a Variant of Uncertain Significance.

Ambry Genetics
Classification: Uncertain significance for Inborn genetic diseases. Last evaluated: 2024-09-09. Review status: criteria provided, single submitter. Criteria: Ambry Variant Classification Scheme 2023. Collection method: clinical testing. Allele origin: germline.

NM_001558.4(IL10RA):c.788G>A (p.Arg263Gln)

Gene: IL10RA (interleukin 10 receptor subunit alpha; plus strand). Cytogenetic location: 11q23.3.
Variant type: single nucleotide variant.
Coding change: c.788G>A on transcript NM_001558.4 (MANE Select); coding-DNA position 788, G replaced by A.
Protein change: p.Arg263Gln; replaces arginine 263 with glutamine.
Molecular consequence: missense variant. On other transcripts: non-coding transcript variant (1).
Genome position (GRCh38, 1-based): chr11:117,995,688, G>A. VCF-style: chr11-117995688-G-A. GRCh37 (hg19) VCF-style: chr11-117866403-G-A.
Other names: short protein forms R263Q.
Identifiers: ClinVar variation 966035 (VCV000966035.9), dbSNP rs145975996, ClinGen allele CA6299048.